The following is an entry in ClinVar:

ClinVar aggregate classification (germline): Uncertain significance (1 of 4 stars; one submission).

Conditions:
Hereditary cancer-predisposing syndrome. Also called: Hereditary Cancer Syndrome; Hereditary neoplastic syndrome; Neoplastic Syndromes, Hereditary; Tumor predisposition. Identifiers: Orphanet 140162, MedGen C0027672, MeSH D009386, MONDO:0015356.

Submission:

Ambry Genetics
Classification: Uncertain significance for Hereditary cancer-predisposing syndrome. Last evaluated: 2021-07-21. Review status: criteria provided, single submitter. Criteria: Ambry Variant Classification Scheme 2023. Collection method: clinical testing. Allele origin: germline.
Comment: The p.N141I variant (also known as c.422A>T), located in coding exon 3 of the PTCH1 gene, results from an A to T substitution at nucleotide position 422. The asparagine at codon 141 is replaced by isoleucine, an amino acid with dissimilar properties. This amino acid position is not well conserved in available vertebrate species. In addition, the in silico prediction for this alteration is inconclusive. Since supporting evidence is limited at this time, the clinical significance of this alteration remains unclear.

NM_000264.5(PTCH1):c.422A>T (p.Asn141Ile)

Gene: PTCH1 (patched 1; minus strand). Cytogenetic location: 9q22.32.
Variant type: single nucleotide variant.
Coding change: c.422A>T on transcript NM_000264.5 (MANE Select); coding-DNA position 422, A replaced by T.
Protein change: p.Asn141Ile; replaces asparagine 141 with isoleucine.
Molecular consequence: missense variant. On other transcripts: 5 prime UTR variant (4), non-coding transcript variant (1).
Genome position (GRCh38, 1-based): chr9:95,485,847, T>A on the plus strand (A>T on the coding strand, the complement: PTCH1 is on the minus strand). VCF-style: chr9-95485847-T-A. GRCh37 (hg19) VCF-style: chr9-98248129-T-A.
Other names: c.224A>T, p.Asn75Ile (NM_001083602.3, NM_001354919.2); c.419A>T, p.Asn140Ile (NM_001083603.3); c.-32A>T (NM_001083604.3, NM_001083605.3, NM_001083606.3 and 1 more transcripts); c.422A>T, p.Asn141Ile (NM_001354918.2); short protein forms N140I, N75I, N141I.
Identifiers: ClinVar variation 1738880 (VCV001738880.2), dbSNP rs2118549538, ClinGen allele CA374117251.
Genomic context (GRCh38, chr9:95,485,847, plus strand): 5'-GTCTGTATCATGAGTTGAGGATTAAACATAGCCTCTTCTCCAATCTTCTGGCGAGTATAA[T>A]TTAATTCACGACTTACTCGTCCTCCAACTGACAAATATGTACAGGTTTAATTAGAATAGC-3'
Protein context (NP_000255.2, residues 131-151): EVGGRVSREL[Asn141Ile]YTRQKIGEEA